The following is an entry in ClinVar:

NM_015100.4(POGZ):c.3628A>G (p.Thr1210Ala)

Gene: POGZ (pogo transposable element derived with ZNF domain; minus strand). Cytogenetic location: 1q21.3.
Variant type: single nucleotide variant.
Coding change: c.3628A>G on transcript NM_015100.4 (MANE Select); coding-DNA position 3628, A replaced by G.
Protein change: p.Thr1210Ala; replaces threonine 1210 with alanine.
Molecular consequence: missense variant.
Genome position (GRCh38, 1-based): chr1:151,405,407, T>C on the plus strand (A>G on the coding strand, the complement: POGZ is on the minus strand). VCF-style: chr1-151405407-T-C. GRCh37 (hg19) VCF-style: chr1-151377883-T-C.
Other names: c.3601A>G, p.Thr1201Ala (NM_001194937.2); c.3442A>G, p.Thr1148Ala (NM_001194938.2); c.3649A>G, p.Thr1217Ala (NM_001410860.1); c.3343A>G, p.Thr1115Ala (NM_145796.4); c.3469A>G, p.Thr1157Ala (NM_207171.2); short protein forms T1115A, T1148A, T1157A, T1201A, T1210A, T1217A.
Identifiers: ClinVar variation 2634323 (VCV002634323.1), dbSNP rs529715904, ClinGen allele CA1090928.

ClinVar aggregate classification (germline): Uncertain significance (1 of 4 stars; one submission).

Conditions:
POGZ-related disorder. Also called: POGZ-related condition.

Allele frequency attached by ClinVar (database versions not stated): gnomAD exomes 0.00001; TOPMed 0.00001; ExAC 0.00002; gnomAD 0.00003; 1000 Genomes Project 0.00020; 1000 Genomes Project 30x 0.00031.
gnomAD v4.1: 19 of 1,614,060 alleles (0.0012%); highest among the groups gnomAD compares: Admixed American, 0.0033%; no homozygotes.

Submission:

PreventionGenetics, part of Exact Sciences
Classification: Uncertain significance for POGZ-related condition. Last evaluated: 2023-02-14. Review status: criteria provided, single submitter. Criteria: ACMG Guidelines, 2015. Collection method: clinical testing. Allele origin: germline.
Comment: The POGZ c.3628A>G variant is predicted to result in the amino acid substitution p.Thr1210Ala. This variant was reported to have occurred de novo in an individual with schizophrenia (Zhao et al. 2019. PubMed ID: 31347273). This variant is reported in 0.0023% of alleles in individuals of European (Non-Finnish) descent in gnomAD. A different nucleotide substitution affecting the same amino acid (p.Thr1210Pro) has been reported de novo in an individual with intellectual disability and developmental delay (Zhao et al. 2019. PubMed ID: 31347273; Table S2, Turner et al. 2019. PubMed ID: 31785789). At this time, the clinical significance of the c.3628A>G (p.Thr1210Ala) variant is uncertain due to the absence of conclusive functional and genetic evidence.